The following is an entry in ClinVar:

ClinVar aggregate classification (germline): Uncertain significance (1 of 4 stars; one submission).

Submission:

Ambry Genetics
Classification: Uncertain significance. Last evaluated: 2024-06-29. Review status: criteria provided, single submitter. Criteria: Ambry Variant Classification Scheme 2023. Collection method: clinical testing. Allele origin: germline.
Comment: The p.H575P variant (also known as c.1724A>C), located in coding exon 1 of the MLH3 gene, results from an A to C substitution at nucleotide position 1724. The histidine at codon 575 is replaced by proline, an amino acid with similar properties. This amino acid position is conserved. In addition, this alteration is predicted to be tolerated by in silico analysis. Based on the available evidence, the clinical significance of this variant remains unclear.

NM_001040108.2(MLH3):c.1724A>C (p.His575Pro)

Gene: MLH3 (mutL homolog 3; minus strand). Cytogenetic location: 14q24.3.
Variant type: single nucleotide variant.
Coding change: c.1724A>C on transcript NM_001040108.2 (MANE Select); coding-DNA position 1724, A replaced by C.
Protein change: p.His575Pro; replaces histidine 575 with proline.
Molecular consequence: missense variant.
Genome position (GRCh38, 1-based): chr14:75,047,932, T>G on the plus strand (A>C on the coding strand, the complement: MLH3 is on the minus strand). VCF-style: chr14-75047932-T-G. GRCh37 (hg19) VCF-style: chr14-75514635-T-G.
Other names: c.1724A>C, p.His575Pro (NM_014381.3); short protein forms H575P.
Identifiers: ClinVar variation 3396656 (VCV003396656.1).